The following is an entry in ClinVar:

NM_000301.5(PLG):c.572A>G (p.Glu191Gly)

Gene: PLG (plasminogen; plus strand). Cytogenetic location: 6q26.
Variant type: single nucleotide variant.
Coding change: c.572A>G on transcript NM_000301.5 (MANE Select); coding-DNA position 572, A replaced by G.
Protein change: p.Glu191Gly; replaces glutamic acid 191 with glycine.
Molecular consequence: missense variant.
Genome position (GRCh38, 1-based): chr6:160,714,818, A>G. VCF-style: chr6-160714818-A-G. GRCh37 (hg19) VCF-style: chr6-161135850-A-G.
Other names: short protein forms E191G.
Identifiers: ClinVar variation 1918594 (VCV001918594.6), dbSNP rs761689224, ClinGen allele CA4087495.
Genomic context (GRCh38, chr6:160,714,818, plus strand): 5'-TTCTTCCTCTCTGTCCTTCCTTCCCACTCTGTCCAGAGGAATGTATGCATTGCAGTGGAG[A>G]AAACTATGACGGCAAAATTTCCAAGACCATGTCTGGACTGGAATGCCAGGCCTGGGACTC-3'
Protein context (NP_000292.1, residues 181-201): CEEECMHCSG[Glu191Gly]NYDGKISKTM

ClinVar aggregate classification (germline): Uncertain significance. Review status: criteria provided, multiple submitters, no conflicts (2 of 4 stars). 2 submissions from 2 submitters: Uncertain significance (2). Last evaluated 2024-07-08.

Conditions:
Angioedema, hereditary, 4. Identifiers: MedGen C5543503, MONDO:0025712, OMIM 619360.
Plasminogen deficiency, type I. Also called: Type 1 plasminogen deficiency; Hypoplasminogenemia. Identifiers: Orphanet 722, MedGen C1968804, MONDO:0009009, OMIM 217090.

Allele frequency attached by ClinVar (database versions not stated): ExAC 0.00001; gnomAD exomes 0.00001; TOPMed 0.00004; gnomAD 0.00005.
gnomAD v4.1: 21 of 1,613,704 alleles (0.0013%); highest among the groups gnomAD compares: Admixed American, 0.017%; no homozygotes.

Submissions (2):

Labcorp Genetics (formerly Invitae), Labcorp
Classification: Uncertain significance. Last evaluated: 2024-07-08. Review status: criteria provided, single submitter. Criteria: Invitae Variant Classification Sherloc (09022015). Collection method: clinical testing. Allele origin: germline.
Comment: This sequence change replaces glutamic acid, which is acidic and polar, with glycine, which is neutral and non-polar, at codon 191 of the PLG protein (p.Glu191Gly). This variant is present in population databases (rs761689224, gnomAD 0.01%). This variant has not been reported in the literature in individuals affected with PLG-related conditions. ClinVar contains an entry for this variant (Variation ID: 1918594). An algorithm developed to predict the effect of missense changes on protein structure and function (PolyPhen-2) suggests that this variant is likely to be disruptive. In summary, the available evidence is currently insufficient to determine the role of this variant in disease. Therefore, it has been classified as a Variant of Uncertain Significance.

Fulgent Genetics
Classification: Uncertain significance for Plasminogen deficiency, type I; Angioedema, hereditary, 4. Last evaluated: 2024-04-22. Review status: criteria provided, single submitter. Criteria: ACMG Guidelines, 2015. Collection method: clinical testing. Allele origin: germline.